The following is an entry in ClinVar:

NM_001267550.2(TTN):c.45168A>G (p.Lys15056=)

Genes: TTN (titin; minus strand), LOC126806427 (BRD4-independent group 4 enhancer GRCh37_chr2:179485777-179486976; plus strand). Cytogenetic location: 2q31.2.
Variant type: single nucleotide variant.
Coding change: c.45168A>G on transcript NM_001267550.2 (MANE Select); coding-DNA position 45168, A replaced by G.
Protein change: p.Lys15056=; no amino-acid change (lysine 15056 retained).
Molecular consequence: synonymous variant.
Genome position (GRCh38, 1-based): chr2:178,621,656, T>C on the plus strand (A>G on the coding strand, the complement: TTN is on the minus strand). VCF-style: chr2-178621656-T-C. GRCh37 (hg19) VCF-style: chr2-179486383-T-C.
Other names: c.40245A>G, p.Lys13415= (NM_001256850.1); c.17973A>G, p.Lys5991= (NM_003319.4); c.37464A>G, p.Lys12488= (NM_133378.4); c.18348A>G, p.Lys6116= (NM_133432.3); c.18549A>G, p.Lys6183= (NM_133437.4).
Identifiers: ClinVar variation 5040881 (VCV005040881.1).
Genomic context (GRCh38, chr2:178,621,656, plus strand): 5'-ATATCTTCCTGTTTCAATGATCTCCTCATCCCCTTTATACCAAATCACTTCTGCGCCAGG[T>C]TTGGAGACTTCACAAACCAGTTTTATAGTGTCTGTTTCACTAACTTCAATGTTGGCAAGA-3'
Protein context (NP_001254479.2, residues 15046-15066): DTIKLVCEVS[Lys15056=]PGAEVIWYKG

ClinVar aggregate classification (germline): Likely benign (1 of 4 stars; one submission).

Submission:

CeGaT Center for Human Genetics Tuebingen
Classification: Likely benign. Last evaluated: 2026-09-01. Review status: criteria provided, single submitter. Criteria: CeGaT Center For Human Genetics Tuebingen Variant Classification Criteria Version 2. Collection method: clinical testing. Allele origin: germline. Affected: yes. Observed: 1 variant allele.
Comment: TTN: PM2:Supporting, BP4, BP7